The following is an entry in ClinVar:

NM_172362.3(KCNH1):c.1241G>T (p.Arg414Leu)

Gene: KCNH1 (potassium voltage-gated channel subfamily H member 1; minus strand). Cytogenetic location: 1q32.2.
Variant type: single nucleotide variant.
Coding change: c.1241G>T on transcript NM_172362.3 (MANE Select); coding-DNA position 1241, G replaced by T.
Protein change: p.Arg414Leu; replaces arginine 414 with leucine.
Molecular consequence: missense variant.
Genome position (GRCh38, 1-based): chr1:210,919,861, C>A on the plus strand (G>T on the coding strand, the complement: KCNH1 is on the minus strand). VCF-style: chr1-210919861-C-A. GRCh37 (hg19) VCF-style: chr1-211093203-C-A.
Other names: c.1160G>T, p.Arg387Leu (NM_002238.4); short protein forms R387L, R414L.
Identifiers: ClinVar variation 2159718 (VCV002159718.4), dbSNP rs1358694562, ClinGen allele CA344873452.
Genomic context (GRCh38, chr1:210,919,861, plus strand): 5'-CCATTAAACTGGTAAGGGGTGCCAATGTCCATCGCTAGTTGGTACAGCCAGCTGTTGTTG[C>A]GGATTGTCTTGGTGTCCTCGTCAAAGATCTCATAGTCCCCAATGCTGTACCAGATGCAGG-3'
Protein context (NP_758872.1, residues 404-424): EIFDEDTKTI[Arg414Leu]NNSWLYQLAM

ClinVar aggregate classification (germline): Uncertain significance (1 of 4 stars; one submission).

gnomAD v4.1: 1 of 1,614,164 alleles (0.000062%); highest among the groups gnomAD compares: Admixed American, 0.0017%; no homozygotes.

Submission:

Labcorp Genetics (formerly Invitae), Labcorp
Classification: Uncertain significance. Last evaluated: 2022-03-20. Review status: criteria provided, single submitter. Criteria: Invitae Variant Classification Sherloc (09022015). Collection method: clinical testing. Allele origin: germline.
Comment: This sequence change replaces arginine, which is basic and polar, with leucine, which is neutral and non-polar, at codon 414 of the KCNH1 protein (p.Arg414Leu). This variant is present in population databases (no rsID available, gnomAD 0.003%). This variant has not been reported in the literature in individuals affected with KCNH1-related conditions. Algorithms developed to predict the effect of missense changes on protein structure and function (SIFT, PolyPhen-2, Align-GVGD) all suggest that this variant is likely to be tolerated. In summary, the available evidence is currently insufficient to determine the role of this variant in disease. Therefore, it has been classified as a Variant of Uncertain Significance.